The following is an entry in ClinVar:

NM_001844.5(COL2A1):c.1103C>A (p.Pro368His)

Gene: COL2A1 (collagen type II alpha 1 chain; minus strand). Cytogenetic location: 12q13.11.
Variant type: single nucleotide variant.
Coding change: c.1103C>A on transcript NM_001844.5 (MANE Select); coding-DNA position 1103, C replaced by A.
Protein change: p.Pro368His; replaces proline 368 with histidine.
Molecular consequence: missense variant.
Genome position (GRCh38, 1-based): chr12:47,989,247, G>T on the plus strand (C>A on the coding strand, the complement: COL2A1 is on the minus strand). VCF-style: chr12-47989247-G-T. GRCh37 (hg19) VCF-style: chr12-48383030-G-T.
Other names: c.896C>A, p.Pro299His (NM_033150.3); short protein forms P299H, P368H.
Identifiers: ClinVar variation 1389341 (VCV001389341.6), dbSNP rs1219147595, ClinGen allele CA384555291.

ClinVar aggregate classification (germline): Uncertain significance (1 of 4 stars; one submission).

Submission:

Labcorp Genetics (formerly Invitae), Labcorp
Classification: Uncertain significance. Last evaluated: 2025-04-16. Review status: criteria provided, single submitter. Criteria: Invitae Variant Classification Sherloc (09022015). Collection method: clinical testing. Allele origin: germline.
Comment: This sequence change replaces proline, which is neutral and non-polar, with histidine, which is basic and polar, at codon 368 of the COL2A1 protein (p.Pro368His). This variant is not present in population databases (gnomAD no frequency). This variant has not been reported in the literature in individuals affected with COL2A1-related conditions. ClinVar contains an entry for this variant (Variation ID: 1389341). Invitae Evidence Modeling of protein sequence and biophysical properties (such as structural, functional, and spatial information, amino acid conservation, physicochemical variation, residue mobility, and thermodynamic stability) indicates that this missense variant is expected to disrupt COL2A1 protein function with a positive predictive value of 80%. In summary, the available evidence is currently insufficient to determine the role of this variant in disease. Therefore, it has been classified as a Variant of Uncertain Significance.